The following is an entry in ClinVar:

NM_000286.3(PEX12):c.83G>A (p.Ser28Asn)

Gene: PEX12 (peroxisomal biogenesis factor 12; minus strand). Cytogenetic location: 17q12.
Variant type: single nucleotide variant.
Coding change: c.83G>A on transcript NM_000286.3 (MANE Select); coding-DNA position 83, G replaced by A.
Protein change: p.Ser28Asn; replaces serine 28 with asparagine.
Molecular consequence: missense variant.
Genome position (GRCh38, 1-based): chr17:35,577,939, C>T on the plus strand (G>A on the coding strand, the complement: PEX12 is on the minus strand). VCF-style: chr17-35577939-C-T. GRCh37 (hg19) VCF-style: chr17-33904958-C-T.
Other names: short protein forms S28N.
Identifiers: ClinVar variation 2863712 (VCV002863712.3), dbSNP rs2509171481, ClinGen allele CA399138909.

ClinVar aggregate classification (germline): Uncertain significance (1 of 4 stars; one submission).

Conditions:
Peroxisome biogenesis disorder 3A (Zellweger). Also called: PEROXISOMAL BIOGENESIS DISORDER 3A (ZELLWEGER); Peroxisome biogenesis disorder 3A. Identifiers: Orphanet 912, MedGen C3553929, MONDO:0013927, OMIM 614859.

Submission:

Labcorp Genetics (formerly Invitae), Labcorp
Classification: Uncertain significance for Peroxisome biogenesis disorder 3A (Zellweger). Last evaluated: 2023-05-31. Review status: criteria provided, single submitter. Criteria: Invitae Variant Classification Sherloc (09022015). Collection method: clinical testing. Allele origin: germline.
Comment: In summary, the available evidence is currently insufficient to determine the role of this variant in disease. Therefore, it has been classified as a Variant of Uncertain Significance. Advanced modeling of protein sequence and biophysical properties (such as structural, functional, and spatial information, amino acid conservation, physicochemical variation, residue mobility, and thermodynamic stability) performed at Invitae indicates that this missense variant is not expected to disrupt PEX12 protein function. This variant has not been reported in the literature in individuals affected with PEX12-related conditions. This variant is not present in population databases (gnomAD no frequency). This sequence change replaces serine, which is neutral and polar, with asparagine, which is neutral and polar, at codon 28 of the PEX12 protein (p.Ser28Asn).